The following is an entry in ClinVar:

NM_001289808.2(CRYAB):c.487C>T (p.Arg163Cys)

Gene: CRYAB (crystallin alpha B; minus strand). Cytogenetic location: 11q23.1.
Variant type: single nucleotide variant.
Coding change: c.487C>T on transcript NM_001289808.2 (MANE Select); coding-DNA position 487, C replaced by T.
Protein change: p.Arg163Cys; replaces arginine 163 with cysteine.
Molecular consequence: missense variant.
Genome position (GRCh38, 1-based): chr11:111,908,805, G>A on the plus strand (C>T on the coding strand, the complement: CRYAB is on the minus strand). VCF-style: chr11-111908805-G-A. GRCh37 (hg19) VCF-style: chr11-111779529-G-A.
Other names: c.487C>T, p.Arg163Cys (NM_001289807.1, NM_001368245.1, NM_001885.3); c.286C>T, p.Arg96Cys (NM_001330379.1, NM_001368246.1); short protein forms R163C, R96C.
Identifiers: ClinVar variation 44238 (VCV000044238.19), dbSNP rs186242388, ClinGen allele CA133795.

ClinVar aggregate classification (germline): Conflicting classifications of pathogenicity. Review status: criteria provided, conflicting classifications (1 of 4 stars). 8 submissions from 8 submitters: Likely pathogenic (1); Uncertain significance (4). 3 of the submissions do not count toward it. Last evaluated 2025-11-24.

Conditions:
Cardiovascular phenotype. Identifiers: MedGen CN230736.
Dilated cardiomyopathy 1II (CMD1II). Identifiers: Orphanet 154, MedGen C3554649, MONDO:0014073, OMIM 615184.

Allele frequency attached by ClinVar (database versions not stated): ExAC 0.00002; TOPMed 0.00004; gnomAD 0.00002 and 0.00003; 1000 Genomes Project 30x 0.00016; 1000 Genomes Project 0.00020; gnomAD exomes 0.00002 and 0.00003.

Submissions (8):

Labcorp Genetics (formerly Invitae), Labcorp
Classification: Uncertain significance for Dilated cardiomyopathy 1II. Last evaluated: 2025-11-24. Review status: criteria provided, single submitter. Criteria: Invitae Variant Classification Sherloc (09022015). Collection method: clinical testing. Allele origin: germline.
Comment: This sequence change replaces arginine, which is basic and polar, with cysteine, which is neutral and slightly polar, at codon 163 of the CRYAB protein (p.Arg163Cys). This variant is present in population databases (rs186242388, gnomAD 0.03%). This missense change has been observed in individual(s) with dilated cardiomyopathy (PMID: 27532257, 32880476). ClinVar contains an entry for this variant (Variation ID: 44238). An algorithm developed to predict the effect of missense changes on protein structure and function (PolyPhen-2) suggests that this variant is likely to be tolerated. In summary, the available evidence is currently insufficient to determine the role of this variant in disease. Therefore, it has been classified as a Variant of Uncertain Significance.

Genesolutions, Medical Genetics Institutes, Ho Chi Minh City, Vietnam
Classification: Likely pathogenic for Dilated cardiomyopathy 1II. Last evaluated: 2025-09-24. Review status: criteria provided, single submitter. Criteria: ACMG Guidelines, 2015. Collection method: clinical testing. Allele origin: germline. Affected: yes.

Ambry Genetics
Classification: Uncertain significance for Cardiovascular phenotype. Last evaluated: 2022-04-26. Review status: criteria provided, single submitter. Criteria: Ambry Variant Classification Scheme 2023. Collection method: clinical testing. Allele origin: germline.

Revvity Omics, Revvity
Classification: Uncertain significance. Last evaluated: 2019-11-23. Review status: criteria provided, single submitter. Criteria: ACMG Guidelines, 2015. Collection method: clinical testing. Allele origin: germline.

Laboratory for Molecular Medicine, Mass General Brigham Personalized Medicine
Classification: Uncertain significance. Last evaluated: 2011-12-27. Review status: criteria provided, single submitter. Criteria: LMM Criteria. Collection method: clinical testing. Allele origin: germline. Observed: 1 variant allele.
Comment: The Arg163Cys variant (CRYAB) has not been previously reported in the literature , but has been listed in dbSNP without frequency information (rs186242388). Arginine (Arg) at position 163 is moderately conserved in evolu tionarily distant species, and this information is insufficient to predict if a change would impact the protein. Computational tools (AlignGVGD, SIFT) predict t hat a change to cysteine (Cys) would not impact the protein, though the accuracy of these tools is unknown. Additional information is needed to fully assess the clinical significance of the Arg163Cys variant.

Clinical Genetics, Academic Medical Center
Classification: Uncertain significance. Review status: no assertion criteria provided. Collection method: clinical testing. Allele origin: germline. Affected: yes. Study: VKGL Data-share Consensus. Not counted in ClinVar's aggregate classification.

Diagnostic Laboratory, Department of Genetics, University Medical Center Groningen
Classification: Uncertain significance. Review status: no assertion criteria provided. Collection method: clinical testing. Allele origin: germline. Affected: yes. Study: VKGL Data-share Consensus. Not counted in ClinVar's aggregate classification.

Joint Genome Diagnostic Labs from Nijmegen and Maastricht, Radboudumc and MUMC+
Classification: Uncertain significance. Review status: no assertion criteria provided. Collection method: clinical testing. Allele origin: germline. Affected: yes. Study: VKGL Data-share Consensus. Not counted in ClinVar's aggregate classification.

Literature cited by the submitters: PubMed 27532257 (cited by Labcorp Genetics (formerly Invitae), Labcorp); PubMed 32880476 (cited by Labcorp Genetics (formerly Invitae), Labcorp).